The following is an entry in ClinVar:

ClinVar aggregate classification (germline): Uncertain significance. Review status: criteria provided, multiple submitters, no conflicts (2 of 4 stars). 2 submissions from 2 submitters: Uncertain significance (2). Last evaluated 2024-09-05.

Allele frequency attached by ClinVar (database versions not stated): gnomAD exomes below 0.00001; TOPMed below 0.00001; ExAC 0.00001; ESP Exome Variant Server 0.00008.
gnomAD v4.1: 4 of 1,610,154 alleles (0.00025%); highest among the groups gnomAD compares: South Asian, 0.0011%; no homozygotes.

Submissions (2):

Blueprint Genetics
Classification: Uncertain significance. Last evaluated: 2024-09-05. Review status: criteria provided, single submitter. Criteria: ACMG Guidelines, 2015. Collection method: clinical testing. Allele origin: germline.

Labcorp Genetics (formerly Invitae), Labcorp
Classification: Uncertain significance. Last evaluated: 2021-09-10. Review status: criteria provided, single submitter. Criteria: Invitae Variant Classification Sherloc (09022015). Collection method: clinical testing. Allele origin: germline.
Comment: In summary, the available evidence is currently insufficient to determine the role of this variant in disease. Therefore, it has been classified as a Variant of Uncertain Significance. This sequence change replaces glycine with arginine at codon 51 of the GNA11 protein (p.Gly51Arg). The glycine residue is highly conserved and there is a moderate physicochemical difference between glycine and arginine. This variant is present in population databases (rs377224539, ExAC 0.002%). This variant has not been reported in the literature in individuals affected with GNA11-related conditions. Algorithms developed to predict the effect of missense changes on protein structure and function are either unavailable or do not agree on the potential impact of this missense change (SIFT: "Deleterious"; PolyPhen-2: "Probably Damaging"; Align-GVGD: "Class C0").

NM_002067.5(GNA11):c.151G>A (p.Gly51Arg)

Gene: GNA11 (G protein subunit alpha 11; plus strand). Cytogenetic location: 19p13.3.
Variant type: single nucleotide variant.
Coding change: c.151G>A on transcript NM_002067.5 (MANE Select); coding-DNA position 151, G replaced by A.
Protein change: p.Gly51Arg; replaces glycine 51 with arginine.
Molecular consequence: missense variant.
Genome position (GRCh38, 1-based): chr19:3,110,163, G>A. VCF-style: chr19-3110163-G-A. GRCh37 (hg19) VCF-style: chr19-3110161-G-A.
Other names: short protein forms G51R.
Identifiers: ClinVar variation 942593 (VCV000942593.8), dbSNP rs377224539, ClinGen allele CA9074752.